The following is an entry in ClinVar:

ClinVar aggregate classification (germline): Uncertain significance (1 of 4 stars; one submission).

Conditions:
Hereditary cancer-predisposing syndrome. Also called: Tumor predisposition; Hereditary Cancer Syndrome; Hereditary neoplastic syndrome; Neoplastic Syndromes, Hereditary. Identifiers: Orphanet 140162, MedGen C0027672, MeSH D009386, MONDO:0015356.

Submission:

Ambry Genetics
Classification: Uncertain significance for Hereditary cancer-predisposing syndrome. Last evaluated: 2025-10-29. Review status: criteria provided, single submitter. Criteria: Ambry Variant Classification Scheme 2023. Collection method: clinical testing. Allele origin: germline.
Comment: The p.A97G variant (also known as c.290C>G), located in coding exon 3 of the SDHD gene, results from a C to G substitution at nucleotide position 290. The alanine at codon 97 is replaced by glycine, an amino acid with similar properties. This amino acid position is conserved. In addition, this alteration is predicted to be deleterious by in silico analysis. Based on the available evidence, the clinical significance of this variant remains unclear.

NM_003002.4(SDHD):c.290C>G (p.Ala97Gly)

Gene: SDHD (succinate dehydrogenase complex subunit D; plus strand). Cytogenetic location: 11q23.1.
Variant type: single nucleotide variant.
Coding change: c.290C>G on transcript NM_003002.4 (MANE Select); coding-DNA position 290, C replaced by G.
Protein change: p.Ala97Gly; replaces alanine 97 with glycine.
Molecular consequence: missense variant. On other transcripts: non-coding transcript variant (1), intron variant (1).
Genome position (GRCh38, 1-based): chr11:112,088,987, C>G. VCF-style: chr11-112088987-C-G. GRCh37 (hg19) VCF-style: chr11-111959711-C-G.
Other names: c.173C>G, p.Ala58Gly (NM_001276504.2); c.290C>G, p.Ala97Gly (NM_001276506.2); c.169+1014C>G (NM_001276503.2); short protein forms A97G, A58G.
Identifiers: ClinVar variation 4548407 (VCV004548407.1).
Genomic context (GRCh38, chr11:112,088,987, plus strand): 5'-TGGGTCTGCTTCCGGCTGCTTATTTGAATCCTTGCTCTGCGATGGACTATTCCCTGGCTG[C>G]AGCCCTCACTCTTCATGGTCACTGGCAAGTATAGCAATTCCAAATATAGTTGTCTGCTCA-3'
Protein context (NP_002993.1, residues 87-107): PCSAMDYSLA[Ala97Gly]ALTLHGHWGL